The following is an entry in ClinVar:

ClinVar aggregate classification (germline): Uncertain significance (1 of 4 stars; one submission).

Submission:

Labcorp Genetics (formerly Invitae), Labcorp
Classification: Uncertain significance. Last evaluated: 2024-12-19. Review status: criteria provided, single submitter. Criteria: Invitae Variant Classification Sherloc (09022015). Collection method: clinical testing. Allele origin: germline.
Comment: This variant occurs in a non-coding region of the CHM gene. It does not change the encoded amino acid sequence of the CHM protein. The frequency data for this variant in the population databases is considered unreliable, as metrics indicate insufficient coverage at this position in the gnomAD database. This variant has been observed in individual(s) with X-linked chorioretinal disease choroideremia (PMID: 28271586). Algorithms developed to predict the effect of variants on gene product structure and function are not available or were not evaluated for this variant. Experimental studies have shown that this variant affects CHM function (PMID: 28271586). In summary, the available evidence is currently insufficient to determine the role of this variant in disease. Therefore, it has been classified as a Variant of Uncertain Significance.

Literature cited by the submitters: PubMed 28271586.

NC_000023.11:g.86047630G>T

Gene: CHM (CHM Rab escort protein; minus strand). Cytogenetic location: Xq21.2.
Variant type: single nucleotide variant.
Genome position: GRCh38 VCF-style: chrX-86047630-G-T. GRCh37 (hg19) VCF-style: chrX-85302634-G-T.
Identifiers: ClinVar variation 3666436 (VCV003666436.2).
Genomic context (GRCh38, chrX:86,047,630, plus strand): 5'-AAATGAGATCAAGTTAGGCATTCCCTCCGTGGAAGGCGGAAAAGAAAACAGTGCATTCTG[G>T]GTGTTGTAGTTCTTGGGTGGAAGGTCCAGGCAGGCGACTACAGTATTATATTTAAAATGT-3'